The following is an entry in ClinVar:

ClinVar aggregate classification (germline): Uncertain significance. Review status: criteria provided, multiple submitters, no conflicts (2 of 4 stars). 2 submissions from 2 submitters: Uncertain significance (2). Last evaluated 2025-06-30.

Conditions:
Inborn genetic diseases. Identifiers: MedGen C0950123, MeSH D030342.

Submissions (2):

Ambry Genetics
Classification: Uncertain significance for Inborn genetic diseases. Last evaluated: 2025-06-30. Review status: criteria provided, single submitter. Criteria: Ambry Variant Classification Scheme 2023. Collection method: clinical testing. Allele origin: germline.

Labcorp Genetics (formerly Invitae), Labcorp
Classification: Uncertain significance. Last evaluated: 2023-12-19. Review status: criteria provided, single submitter. Criteria: Invitae Variant Classification Sherloc (09022015). Collection method: clinical testing. Allele origin: germline.
Comment: This sequence change replaces leucine, which is neutral and non-polar, with arginine, which is basic and polar, at codon 225 of the HPS4 protein (p.Leu225Arg). This variant is present in population databases (no rsID available, gnomAD 0.01%). This variant has not been reported in the literature in individuals affected with HPS4-related conditions. Algorithms developed to predict the effect of missense changes on protein structure and function output the following: SIFT: "Not Available"; PolyPhen-2: "Benign"; Align-GVGD: "Not Available". The arginine amino acid residue is found in multiple mammalian species, which suggests that this missense change does not adversely affect protein function. In summary, the available evidence is currently insufficient to determine the role of this variant in disease. Therefore, it has been classified as a Variant of Uncertain Significance.

NM_022081.6(HPS4):c.674T>G (p.Leu225Arg)

Gene: HPS4 (HPS4 biogenesis of lysosomal organelles complex 3 subunit 2; minus strand). Cytogenetic location: 22q12.1.
Variant type: single nucleotide variant.
Coding change: c.674T>G on transcript NM_022081.6 (MANE Select); coding-DNA position 674, T replaced by G.
Protein change: p.Leu225Arg; replaces leucine 225 with arginine.
Molecular consequence: missense variant. On other transcripts: non-coding transcript variant (8).
Genome position (GRCh38, 1-based): chr22:26,466,258, A>C on the plus strand (T>G on the coding strand, the complement: HPS4 is on the minus strand). VCF-style: chr22-26466258-A-C. GRCh37 (hg19) VCF-style: chr22-26862224-A-C.
Other names: c.674T>G (NM_022081.4); c.674T>G, p.Leu225Arg (NM_001349896.1, NM_001349898.2, NM_001349899.2 and 7 more transcripts); c.659T>G, p.Leu220Arg (NM_152841.2); short protein forms L225R, L220R.
Identifiers: ClinVar variation 2901801 (VCV002901801.4), dbSNP rs746415096, ClinGen allele CA411029946.